The following is an entry in ClinVar:

ClinVar aggregate classification (germline): Uncertain significance (1 of 4 stars; one submission).

Conditions:
Wolfram syndrome 1 (WFS1). Identifiers: Orphanet 3463, MedGen C4551693, MONDO:0009101, OMIM 222300.

Submission:

3billion
Classification: Uncertain significance for Wolfram syndrome 1. Last evaluated: 2024-10-17. Review status: criteria provided, single submitter. Criteria: ACMG Guidelines, 2015. Collection method: clinical testing. Allele origin: germline. Affected: yes.
Comment: The variant is observed at an extremely low frequency in the gnomAD v4.1.0 dataset (total allele frequency: <0.001%). Predicted Consequence/Location: Inframe insertion located in a nonrepeat region: predicted to change the length of the protein and disrupt normal protein function. Therefore, this variant is classified as VUS according to the recommendation of ACMG/AMP guideline.

NM_006005.3(WFS1):c.1619_1642dup (p.Ile547_Leu548insArgCysGluLeuSerValValIle)

Gene: WFS1 (wolframin ER transmembrane glycoprotein; plus strand). Cytogenetic location: 4p16.1.
Variant type: Duplication.
Coding change: c.1619_1642dup on transcript NM_006005.3 (MANE Select); coding-DNA positions 1619 to 1642, 24 bases duplicated (GGTGTGAGCTCTCCGTGGTCATCC).
Protein change: p.Ile547_Leu548insArgCysGluLeuSerValValIle.
Molecular consequence: inframe insertion.
Genome position (GRCh38, 1-based): chr4:6,301,414-6,301,437, GGTGTGAGCTCTCCGTGGTCATCC duplicated. VCF-style (leftmost placement, unchanged base first): chr4-6301413-T-TGGTGTGAGCTCTCCGTGGTCATCC. GRCh37 (hg19) VCF-style: chr4-6303140-T-TGGTGTGAGCTCTCCGTGGTCATCC.
Other names: c.1619_1642dup, p.Ile547_Leu548insArgCysGluLeuSerValValIle (NM_001145853.1).
Identifiers: ClinVar variation 4293404 (VCV004293404.1).